The following is an entry in ClinVar:

ClinVar aggregate classification (germline): Uncertain significance. Review status: criteria provided, multiple submitters, no conflicts (2 of 4 stars). 2 submissions from 2 submitters: Uncertain significance (2). Last evaluated 2025-06-02.

Submissions (2):

Ambry Genetics
Classification: Uncertain significance. Last evaluated: 2025-06-02. Review status: criteria provided, single submitter. Criteria: Ambry Variant Classification Scheme 2023. Collection method: clinical testing. Allele origin: germline.
Comment: The c.401_403delAAG variant (also known as p.E134del) is located in coding exon 3 of the ATRIP gene. This variant results from an in-frame AAG deletion at nucleotide positions 401 to 403. This results in the in-frame deletion of a glutamic acid at codon 134. This amino acid position is not well conserved in available vertebrate species. In addition, this variant is predicted to be deleterious by in silico analysis (Choi Y et al. PLoS ONE. 2012; 7(10):e46688). The evidence for this gene-disease relationship is limited; therefore, the clinical significance of this alteration is unclear.

Labcorp Genetics (formerly Invitae), Labcorp
Classification: Uncertain significance. Last evaluated: 2023-06-15. Review status: criteria provided, single submitter. Criteria: Invitae Variant Classification Sherloc (09022015). Collection method: clinical testing. Allele origin: germline.
Comment: In summary, the available evidence is currently insufficient to determine the role of this variant in disease. Therefore, it has been classified as a Variant of Uncertain Significance. Experimental studies and prediction algorithms are not available or were not evaluated, and the functional significance of this variant is currently unknown. This variant has not been reported in the literature in individuals affected with ATRIP-related conditions. This variant is present in population databases (rs781110153, gnomAD 0.01%). This variant, c.401_403del, results in the deletion of 1 amino acid(s) of the ATRIP protein (p.Glu134del), but otherwise preserves the integrity of the reading frame.

NM_130384.3(ATRIP):c.395AAG[2] (p.Glu134del)

Genes: ATRIP (ATR interacting protein; plus strand), ATRIP-TREX1 (ATRIP-TREX1 readthrough; plus strand). Cytogenetic location: 3p21.31.
Variant type: Microsatellite.
Coding change: c.395AAG[2] on transcript NM_130384.3 (MANE Select); two copies in a row of the 3-base unit AAG starting at c.395; the reference has three copies in a row; one copy, 3 bases deleted.
Protein change: p.Glu134del; deletes glutamic acid 134.
Molecular consequence: inframe deletion. On other transcripts: non-coding transcript variant (1).
Genome position (GRCh38, 1-based): chr3:48,451,748-48,451,750, AAG deleted; deleting any 3 consecutive bases within chr3:48,451,741-48,451,750 gives the same sequence; the position shown is the placement nearest the transcript's 3' end. VCF-style (leftmost placement, unchanged base first): chr3-48451740-GGAA-G. GRCh37 (hg19) VCF-style: chr3-48493146-GGAA-G.
Other names: c.14AAG[2], p.Glu7del (NM_001271022.2); c.116AAG[2], p.Glu41del (NM_001271023.2); c.395AAG[2], p.Glu134del (NM_032166.4); c.401_403delAAG (NM_130384.1); short protein forms E41del, E7del, E134del.
Identifiers: ClinVar variation 2984331 (VCV002984331.4), dbSNP rs781110153, ClinGen allele CA2375973.